The following is an entry in ClinVar:

ClinVar aggregate classification (germline): Uncertain significance (1 of 4 stars; one submission).

Conditions:
Orthostatic hypotension 1 (ORTHYP1). Also called: Dopamine beta-hydroxylase deficiency; NORADRENALINE DEFICIENCY; NOREPINEPHRINE DEFICIENCY; Orthostatic hypotension 1, due to DBH deficiency. Identifiers: Orphanet 230, MedGen C4746777, MONDO:0009123, OMIM 223360.

Allele frequency attached by ClinVar (database versions not stated): ExAC 0.00001; gnomAD exomes 0.00003; TOPMed 0.00003; gnomAD 0.00006; 1000 Genomes Project 0.00060; 1000 Genomes Project 30x 0.00062.
gnomAD v4.1: 60 of 1,613,948 alleles (0.0037%); highest among the groups gnomAD compares: Middle Eastern, 0.049%; no homozygotes.

Submission:

Labcorp Genetics (formerly Invitae), Labcorp
Classification: Uncertain significance for Orthostatic hypotension 1. Last evaluated: 2022-08-09. Review status: criteria provided, single submitter. Criteria: Invitae Variant Classification Sherloc (09022015). Collection method: clinical testing. Allele origin: germline.
Comment: This sequence change replaces arginine, which is basic and polar, with cysteine, which is neutral and slightly polar, at codon 572 of the DBH protein (p.Arg572Cys). This variant is present in population databases (rs190637473, gnomAD 0.01%). This variant has not been reported in the literature in individuals affected with DBH-related conditions. Algorithms developed to predict the effect of missense changes on protein structure and function are either unavailable or do not agree on the potential impact of this missense change (SIFT: "Deleterious"; PolyPhen-2: "Possibly Damaging"; Align-GVGD: "Class C15"). In summary, the available evidence is currently insufficient to determine the role of this variant in disease. Therefore, it has been classified as a Variant of Uncertain Significance.

NM_000787.4(DBH):c.1714C>T (p.Arg572Cys)

Genes: DBH (dopamine beta-hydroxylase; plus strand), DBH-AS1 (DBH antisense RNA 1; minus strand). Cytogenetic location: 9q34.2.
Variant type: single nucleotide variant.
Coding change: c.1714C>T on transcript NM_000787.4 (MANE Select); coding-DNA position 1714, C replaced by T.
Protein change: p.Arg572Cys; replaces arginine 572 with cysteine.
Molecular consequence: missense variant. On other transcripts: non-coding transcript variant (1).
Genome position (GRCh38, 1-based): chr9:133,657,221, C>T. VCF-style: chr9-133657221-C-T. GRCh37 (hg19) VCF-style: chr9-136522343-C-T.
Other names: short protein forms R572C.
Identifiers: ClinVar variation 2188310 (VCV002188310.1), dbSNP rs190637473, ClinGen allele CA5313654.